The following is an entry in ClinVar:

ClinVar aggregate classification (germline): Uncertain significance (1 of 4 stars; one submission).

Submission:

Labcorp Genetics (formerly Invitae), Labcorp
Classification: Uncertain significance. Last evaluated: 2021-06-08. Review status: criteria provided, single submitter. Criteria: Invitae Variant Classification Sherloc (09022015). Collection method: clinical testing. Allele origin: germline.
Comment: This sequence change replaces asparagine with lysine at codon 1015 of the MPDZ protein (p.Asn1015Lys). The asparagine residue is highly conserved and there is a moderate physicochemical difference between asparagine and lysine. This variant is not present in population databases (ExAC no frequency). This variant has not been reported in the literature in individuals with MPDZ-related conditions. Algorithms developed to predict the effect of missense changes on protein structure and function (SIFT, PolyPhen-2, Align-GVGD) all suggest that this variant is likely to be disruptive, but these predictions have not been confirmed by published functional studies and their clinical significance is uncertain. In summary, the available evidence is currently insufficient to determine the role of this variant in disease. Therefore, it has been classified as a Variant of Uncertain Significance.

NM_001378778.1(MPDZ):c.3045T>G (p.Asn1015Lys)

Gene: MPDZ (multiple PDZ domain crumbs cell polarity complex component; minus strand). Cytogenetic location: 9p23.
Variant type: single nucleotide variant.
Coding change: c.3045T>G on transcript NM_001378778.1 (MANE Select); coding-DNA position 3045, T replaced by G.
Protein change: p.Asn1015Lys; replaces asparagine 1015 with lysine.
Molecular consequence: missense variant.
Genome position (GRCh38, 1-based): chr9:13,175,762, A>C on the plus strand (T>G on the coding strand, the complement: MPDZ is on the minus strand). VCF-style: chr9-13175762-A-C. GRCh37 (hg19) VCF-style: chr9-13175761-A-C.
Other names: c.3045T>G, p.Asn1015Lys (NM_001261406.2, NM_001261407.2, NM_001330637.2 and 14 more transcripts); short protein forms N1015K.
Identifiers: ClinVar variation 1359854 (VCV001359854.8), dbSNP rs2134170237, ClinGen allele CA372934672.